The following is an entry in ClinVar:

NM_001320033.2(SLC22A14):c.489C>T (p.Asp163=)

Gene: SLC22A14 (solute carrier family 22 member 14; plus strand). Cytogenetic location: 3p22.2.
Variant type: single nucleotide variant.
Coding change: c.489C>T on transcript NM_001320033.2 (MANE Select); coding-DNA position 489, C replaced by T.
Protein change: p.Asp163=; no amino-acid change (aspartic acid 163 retained).
Molecular consequence: synonymous variant.
Genome position (GRCh38, 1-based): chr3:38,306,515, C>T. VCF-style: chr3-38306515-C-T. GRCh37 (hg19) VCF-style: chr3-38348006-C-T.
Other names: c.489C>T, p.Asp163= (NM_004803.4).
Identifiers: ClinVar variation 2653670 (VCV002653670.24), dbSNP rs114762122, ClinGen allele CA2317413.
Genomic context (GRCh38, chr3:38,306,515, plus strand): 5'-TATCATCCAGTTTGGCCTCAATGACACAGACACATGCCAAGATGGGTGGATCTATCCTGA[C>T]GCTAAGAAGCGATCGCTGATCAATGAGGTATGTCTTGTCATGGGTTGTCTGTAACTACCC-3'
Protein context (NP_001306962.1, residues 153-173): DTCQDGWIYP[Asp163=]AKKRSLINEF

ClinVar aggregate classification (germline): Likely benign (1 of 4 stars; one submission).

Allele frequency attached by ClinVar (database versions not stated): 1000 Genomes Project 30x 0.00109; 1000 Genomes Project 0.00140; ExAC 0.00378; gnomAD 0.00411; ESP Exome Variant Server 0.00454.
gnomAD v4.1: 10,329 of 1,613,722 alleles (0.64%); highest among the groups gnomAD compares: Non-Finnish European, 0.81%; 39 homozygotes.

Submission:

CeGaT Center for Human Genetics Tuebingen
Classification: Likely benign. Last evaluated: 2022-07-01. Review status: criteria provided, single submitter. Criteria: CeGaT Center For Human Genetics Tuebingen Variant Classification Criteria Version 2. Collection method: clinical testing. Allele origin: germline. Affected: yes. Observed: 1 variant allele.
Comment: SLC22A14: BP4, BP7